The following is an entry in ClinVar:

ClinVar aggregate classification (germline): Uncertain significance. Review status: criteria provided, multiple submitters, no conflicts (2 of 4 stars). 2 submissions from 2 submitters: Uncertain significance (2). Last evaluated 2025-03-19.

Conditions:
Inborn genetic diseases. Identifiers: MedGen C0950123, MeSH D030342.

Allele frequency attached by ClinVar (database versions not stated): gnomAD exomes below 0.00001.
gnomAD v4.1: 3 of 1,166,076 alleles (0.00026%); highest among the groups gnomAD compares: Admixed American, 0.0022%; no homozygotes.

Submissions (2):

Ambry Genetics
Classification: Uncertain significance for Inborn genetic diseases. Last evaluated: 2025-03-19. Review status: criteria provided, single submitter. Criteria: Ambry Variant Classification Scheme 2023. Collection method: clinical testing. Allele origin: germline.

Labcorp Genetics (formerly Invitae), Labcorp
Classification: Uncertain significance. Last evaluated: 2023-10-29. Review status: criteria provided, single submitter. Criteria: Invitae Variant Classification Sherloc (09022015). Collection method: clinical testing. Allele origin: germline.
Comment: This sequence change replaces glutamine, which is neutral and polar, with arginine, which is basic and polar, at codon 880 of the POLA1 protein (p.Gln880Arg). The frequency data for this variant in the population databases is considered unreliable, as metrics indicate poor data quality at this position in the gnomAD database. This variant has not been reported in the literature in individuals affected with POLA1-related conditions. Advanced modeling of protein sequence and biophysical properties (such as structural, functional, and spatial information, amino acid conservation, physicochemical variation, residue mobility, and thermodynamic stability) performed at Invitae indicates that this missense variant is not expected to disrupt POLA1 protein function with a negative predictive value of 80%. In summary, the available evidence is currently insufficient to determine the role of this variant in disease. Therefore, it has been classified as a Variant of Uncertain Significance.

NM_001330360.2(POLA1):c.2657A>G (p.Gln886Arg)

Gene: POLA1 (DNA polymerase alpha 1, catalytic subunit; plus strand). Cytogenetic location: Xp22.11.
Variant type: single nucleotide variant.
Coding change: c.2657A>G on transcript NM_001330360.2 (MANE Select); coding-DNA position 2657, A replaced by G.
Protein change: p.Gln886Arg; replaces glutamine 886 with arginine.
Molecular consequence: missense variant. On other transcripts: non-coding transcript variant (2).
Genome position (GRCh38, 1-based): chrX:24,745,508, A>G. VCF-style: chrX-24745508-A-G. GRCh37 (hg19) VCF-style: chrX-24763625-A-G.
Other names: c.2639A>G (NM_016937.3); c.2582A>G, p.Gln861Arg (NM_001378303.1); c.2639A>G, p.Gln880Arg (NM_016937.4); short protein forms Q861R, Q880R, Q886R.
Identifiers: ClinVar variation 2813214 (VCV002813214.4), dbSNP rs1456512759, ClinGen allele CA412538055.